The following is an entry in ClinVar:

ClinVar aggregate classification (germline): Uncertain significance (1 of 4 stars; one submission).

Conditions:
Familial meningioma. Also called: Meningioma, familial, susceptibility to. Identifiers: Orphanet 263662, MedGen C3551915, MONDO:0011789, OMIM 607174.

Submission:

Labcorp Genetics (formerly Invitae), Labcorp
Classification: Uncertain significance for Familial meningioma. Last evaluated: 2026-01-10. Review status: criteria provided, single submitter. Criteria: Invitae Variant Classification Sherloc (09022015). Collection method: clinical testing. Allele origin: germline.
Comment: This sequence change replaces asparagine, which is neutral and polar, with serine, which is neutral and polar, at codon 386 of the SMARCE1 protein (p.Asn386Ser). This variant is not present in population databases (gnomAD no frequency). This variant has not been reported in the literature in individuals affected with SMARCE1-related conditions. Invitae Evidence Modeling of protein sequence and biophysical properties (such as structural, functional, and spatial information, amino acid conservation, physicochemical variation, residue mobility, and thermodynamic stability) indicates that this missense variant is not expected to disrupt SMARCE1 protein function with a negative predictive value of 80%. In summary, the available evidence is currently insufficient to determine the role of this variant in disease. Therefore, it has been classified as a Variant of Uncertain Significance.

NM_003079.5(SMARCE1):c.1157A>G (p.Asn386Ser)

Gene: SMARCE1 (SWI/SNF related BAF chromatin remodeling complex subunit E1; minus strand). Cytogenetic location: 17q21.2.
Variant type: single nucleotide variant.
Coding change: c.1157A>G on transcript NM_003079.5 (MANE Select); coding-DNA position 1157, A replaced by G.
Protein change: p.Asn386Ser; replaces asparagine 386 with serine.
Molecular consequence: missense variant.
Genome position (GRCh38, 1-based): chr17:40,628,864, T>C on the plus strand (A>G on the coding strand, the complement: SMARCE1 is on the minus strand). VCF-style: chr17-40628864-T-C. GRCh37 (hg19) VCF-style: chr17-38785116-T-C.
Other names: short protein forms N386S.
Identifiers: ClinVar variation 4743550 (VCV004743550.1).